The following is an entry in ClinVar:

ClinVar aggregate classification (germline): Uncertain significance. Review status: criteria provided, multiple submitters, no conflicts (2 of 4 stars). 2 submissions from 2 submitters: Uncertain significance (2). Last evaluated 2025-10-21.

Allele frequency attached by ClinVar (database versions not stated): gnomAD exomes below 0.00001 and 0.00001; TOPMed below 0.00001; ExAC 0.00001; ESP Exome Variant Server 0.00008.

Submissions (2):

Labcorp Genetics (formerly Invitae), Labcorp
Classification: Uncertain significance. Last evaluated: 2025-10-21. Review status: criteria provided, single submitter. Criteria: Invitae Variant Classification Sherloc (09022015). Collection method: clinical testing. Allele origin: germline.
Comment: This sequence change replaces serine with asparagine at codon 495 of the TCF3 protein (p.Ser495Asn). The serine residue is weakly conserved and there is a small physicochemical difference between serine and asparagine. This variant is present in population databases (rs375542312, gnomAD 0.001%). This variant has not been reported in the literature in individuals affected with TCF3-related conditions. ClinVar contains an entry for this variant (Variation ID: 1350060). Invitae Evidence Modeling of protein sequence and biophysical properties (such as structural, functional, and spatial information, amino acid conservation, physicochemical variation, residue mobility, and thermodynamic stability) indicates that this missense variant is not expected to disrupt TCF3 protein function with a negative predictive value of 80%. In summary, the available evidence is currently insufficient to determine the role of this variant in disease. Therefore, it has been classified as a Variant of Uncertain Significance.

CeGaT Center for Human Genetics Tuebingen
Classification: Uncertain significance. Last evaluated: 2024-11-01. Review status: criteria provided, single submitter. Criteria: CeGaT Center For Human Genetics Tuebingen Variant Classification Criteria Version 2. Collection method: clinical testing. Allele origin: germline. Affected: yes. Observed: 1 variant allele.
Comment: TCF3: PM2, BP4

NM_003200.5(TCF3):c.1484G>A (p.Ser495Asn)

Gene: TCF3 (transcription factor 3; minus strand). Cytogenetic location: 19p13.3.
Variant type: single nucleotide variant.
Coding change: c.1484G>A on transcript NM_003200.5 (MANE Select); coding-DNA position 1484, G replaced by A.
Protein change: p.Ser495Asn; replaces serine 495 with asparagine.
Molecular consequence: missense variant.
Genome position (GRCh38, 1-based): chr19:1,615,788, C>T on the plus strand (G>A on the coding strand, the complement: TCF3 is on the minus strand). VCF-style: chr19-1615788-C-T. GRCh37 (hg19) VCF-style: chr19-1615787-C-T.
Other names: c.1484G>A, p.Ser495Asn (NM_001136139.4, NM_001351779.2); c.1481G>A, p.Ser494Asn (NM_001351778.2); short protein forms S495N, S494N.
Identifiers: ClinVar variation 1350060 (VCV001350060.22), dbSNP rs375542312, ClinGen allele CA9049800.